The following is an entry in ClinVar:

ClinVar aggregate classification (germline): Uncertain significance. Review status: criteria provided, multiple submitters, no conflicts (2 of 4 stars). 3 submissions from 3 submitters: Uncertain significance (3). Last evaluated 2025-08-21.

Conditions:
Paget disease of bone 3. Identifiers: MedGen C4085252, MONDO:0008176, OMIM 167250.
Inborn genetic diseases. Identifiers: MedGen C0950123, MeSH D030342.
Frontotemporal dementia and/or amyotrophic lateral sclerosis 1 (FTDALS1). Also called: Frontotemporal dementia with motor neuron disease 1; C9orf72 Frontotemporal Dementia and/or Amyotrophic Lateral Sclerosis. Identifiers: Orphanet 275872, MedGen C5779877, MONDO:0007105, OMIM 105550.
Paget disease of bone 2, early-onset (PDB2). Also called: Paget disease of bone 2. Identifiers: MedGen C4085251, MONDO:0011183, OMIM 602080.

Allele frequency attached by ClinVar (database versions not stated): gnomAD exomes 0.00001 and 0.00002; ExAC 0.00002; gnomAD 0.00002; TOPMed 0.00003.
gnomAD v4.1: 30 of 1,580,782 alleles (0.0019%); highest among the groups gnomAD compares: African/African-American, 0.0067%; no homozygotes.

Submissions (3):

Labcorp Genetics (formerly Invitae), Labcorp
Classification: Uncertain significance for Paget disease of bone 2, early-onset; Frontotemporal dementia and/or amyotrophic lateral sclerosis 1. Last evaluated: 2025-08-21. Review status: criteria provided, single submitter. Criteria: Invitae Variant Classification Sherloc (09022015). Collection method: clinical testing. Allele origin: germline.
Comment: This sequence change replaces glycine, which is neutral and non-polar, with glutamic acid, which is acidic and polar, at codon 320 of the SQSTM1 protein (p.Gly320Glu). The frequency data for this variant in the population databases is considered unreliable, as metrics indicate poor data quality at this position in the gnomAD database. This variant has not been reported in the literature in individuals affected with SQSTM1-related conditions. ClinVar contains an entry for this variant (Variation ID: 353166). Invitae Evidence Modeling of protein sequence and biophysical properties (such as structural, functional, and spatial information, amino acid conservation, physicochemical variation, residue mobility, and thermodynamic stability) indicates that this missense variant is not expected to disrupt SQSTM1 protein function with a negative predictive value of 80%. In summary, the available evidence is currently insufficient to determine the role of this variant in disease. Therefore, it has been classified as a Variant of Uncertain Significance.

Ambry Genetics
Classification: Uncertain significance for Inborn genetic diseases. Last evaluated: 2021-09-15. Review status: criteria provided, single submitter. Criteria: Ambry Variant Classification Scheme 2023. Collection method: clinical testing. Allele origin: germline.

Illumina Laboratory Services, Illumina
Classification: Uncertain significance for Paget disease of bone 3. Last evaluated: 2018-01-13. Review status: criteria provided, single submitter. Criteria: ICSL Variant Classification Criteria 13 December 2019. Collection method: clinical testing. Allele origin: germline.

NM_003900.5(SQSTM1):c.959G>A (p.Gly320Glu)

Gene: SQSTM1 (sequestosome 1; plus strand). Cytogenetic location: 5q35.3.
Variant type: single nucleotide variant.
Coding change: c.959G>A on transcript NM_003900.5 (MANE Select); coding-DNA position 959, G replaced by A.
Protein change: p.Gly320Glu; replaces glycine 320 with glutamic acid.
Molecular consequence: missense variant.
Genome position (GRCh38, 1-based): chr5:179,833,236, G>A. VCF-style: chr5-179833236-G-A. GRCh37 (hg19) VCF-style: chr5-179260236-G-A.
Other names: c.707G>A, p.Gly236Glu (NM_001142298.2, NM_001142299.2); short protein forms G236E, G320E.
Identifiers: ClinVar variation 353166 (VCV000353166.12), dbSNP rs747589104, ClinGen allele CA3600740.